The following is an entry in ClinVar:

ClinVar aggregate classification (germline): Likely pathogenic. Review status: criteria provided, multiple submitters, no conflicts (2 of 4 stars). 2 submissions from 2 submitters: Likely pathogenic (2). Last evaluated 2025-09-09.

Conditions:
X-linked intellectual disability Cabezas type (MRXSC). Also called: CABEZAS SYNDROME; MENTAL RETARDATION, X-LINKED, SYNDROMIC 15; Intellectual developmental disorder, X-linked syndromic, Cabezas type. Identifiers: Orphanet 85289, Orphanet 85293, MedGen C1845861, MONDO:0010306, OMIM 300354.
CUL4B-related disorders.

Submissions (2):

Institute of Human Genetics, Heidelberg University
Classification: Likely pathogenic for X-linked intellectual disability Cabezas type. Last evaluated: 2025-09-09. Review status: criteria provided, single submitter. Criteria: ACMG Guidelines, 2015. Collection method: clinical testing. Allele origin: maternal. Affected: yes. Observed: 2 variant alleles.
Comment: PVS1; PM2_supp

Blueprint Genetics
Classification: Likely pathogenic for CUL4B-related disorders. Last evaluated: 2022-03-09. Review status: criteria provided, single submitter. Criteria: ACMG Guidelines, 2015. Collection method: clinical testing. Allele origin: germline. Affected: yes. Observed: 2 variant alleles.

NM_001079872.2(CUL4B):c.1051C>T (p.Arg351Ter)

Gene: CUL4B (cullin 4B; minus strand). Cytogenetic location: Xq24.
Variant type: single nucleotide variant.
Coding change: c.1051C>T on transcript NM_001079872.2 (MANE Select); coding-DNA position 1051, C replaced by T.
Protein change: p.Arg351Ter; replaces arginine 351 with a stop codon.
Molecular consequence: nonsense.
Genome position (GRCh38, 1-based): chrX:120,544,513, G>A on the plus strand (C>T on the coding strand, the complement: CUL4B is on the minus strand). VCF-style: chrX-120544513-G-A. GRCh37 (hg19) VCF-style: chrX-119678368-G-A.
Other names: c.1066C>T, p.Arg356Ter (NM_001330624.2); c.517C>T, p.Arg173Ter (NM_001369145.1); c.1105C>T, p.Arg369Ter (NM_003588.4); short protein forms R173*, R351*, R356*, R369*.
Identifiers: ClinVar variation 4294305 (VCV004294305.2).